The following is an entry in ClinVar:

NM_004608.4(TBX6):c.467G>C (p.Arg156Pro)

Gene: TBX6 (T-box transcription factor 6; minus strand). Cytogenetic location: 16p11.2.
Variant type: single nucleotide variant.
Coding change: c.467G>C on transcript NM_004608.4 (MANE Select); coding-DNA position 467, G replaced by C.
Protein change: p.Arg156Pro; replaces arginine 156 with proline.
Molecular consequence: missense variant.
Genome position (GRCh38, 1-based): chr16:30,089,097, C>G on the plus strand (G>C on the coding strand, the complement: TBX6 is on the minus strand). VCF-style: chr16-30089097-C-G. GRCh37 (hg19) VCF-style: chr16-30100418-C-G.
Other names: short protein forms R156P.
Identifiers: ClinVar variation 2757907 (VCV002757907.3), dbSNP rs116697432, ClinGen allele CA395520100.

ClinVar aggregate classification (germline): Uncertain significance (1 of 4 stars; one submission).

Submission:

Labcorp Genetics (formerly Invitae), Labcorp
Classification: Uncertain significance. Last evaluated: 2023-10-22. Review status: criteria provided, single submitter. Criteria: Invitae Variant Classification Sherloc (09022015). Collection method: clinical testing. Allele origin: germline.
Comment: This sequence change replaces arginine, which is basic and polar, with proline, which is neutral and non-polar, at codon 156 of the TBX6 protein (p.Arg156Pro). This variant is not present in population databases (gnomAD no frequency). This variant has not been reported in the literature in individuals affected with TBX6-related conditions. Advanced modeling of protein sequence and biophysical properties (such as structural, functional, and spatial information, amino acid conservation, physicochemical variation, residue mobility, and thermodynamic stability) performed at Invitae indicates that this missense variant is not expected to disrupt TBX6 protein function. In summary, the available evidence is currently insufficient to determine the role of this variant in disease. Therefore, it has been classified as a Variant of Uncertain Significance.